The following is an entry in ClinVar:

ClinVar aggregate classification (germline): Uncertain significance (1 of 4 stars; one submission).

Submission:

Mayo Clinic Laboratories, Mayo Clinic
Classification: Uncertain significance. Last evaluated: 2025-08-02. Review status: criteria provided, single submitter. Criteria: ACMG Guidelines, 2015. Collection method: clinical testing. Allele origin: germline. Observed: 1 variant allele.
Comment: PP3, PM2_supporting

NM_001365276.2(TNXB):c.12554C>G (p.Ser4185Cys)

Genes: TNXB (tenascin XB; minus strand), LOC106780803 (tenascin XB recombination region; plus strand). Cytogenetic location: 6p21.33.
Variant type: single nucleotide variant.
Coding change: c.12554C>G on transcript NM_001365276.2 (MANE Select); coding-DNA position 12554, C replaced by G.
Protein change: p.Ser4185Cys; replaces serine 4185 with cysteine.
Molecular consequence: missense variant.
Genome position (GRCh38, 1-based): chr6:32,041,850, G>C on the plus strand (C>G on the coding strand, the complement: TNXB is on the minus strand). VCF-style: chr6-32041850-G-C. GRCh37 (hg19) VCF-style: chr6-32009627-G-C.
Other names: p.Ser4183Cys; c.13295C>G, p.Ser4432Cys (NM_001428335.1); c.12548C>G, p.Ser4183Cys (NM_019105.8); c.1841C>G, p.Ser614Cys (NM_032470.4); short protein forms S4183C, S614C, S4185C, S4432C.
Identifiers: ClinVar variation 4541113 (VCV004541113.1).